The following is an entry in ClinVar:

ClinVar aggregate classification (germline): Likely pathogenic (1 of 4 stars; one submission).

Submission:

GeneDx
Classification: Likely pathogenic. Last evaluated: 2019-08-01. Review status: criteria provided, single submitter. Criteria: GeneDx Variant Classification Process June 2021. Collection method: clinical testing. Allele origin: germline. Affected: yes.
Comment: Not observed in large population cohorts (Lek et al., 2016); In silico analysis, which includes protein predictors and evolutionary conservation, supports a deleterious effect; Has not been previously published as pathogenic or benign to our knowledge

NM_005121.3(MED13):c.6178C>G (p.Gln2060Glu)

Gene: MED13 (mediator complex subunit 13; minus strand). Cytogenetic location: 17q23.2.
Variant type: single nucleotide variant.
Coding change: c.6178C>G on transcript NM_005121.3 (MANE Select); coding-DNA position 6178, C replaced by G.
Protein change: p.Gln2060Glu; replaces glutamine 2060 with glutamic acid.
Molecular consequence: missense variant.
Genome position (GRCh38, 1-based): chr17:61,950,938, G>C on the plus strand (C>G on the coding strand, the complement: MED13 is on the minus strand). VCF-style: chr17-61950938-G-C. GRCh37 (hg19) VCF-style: chr17-60028299-G-C.
Other names: short protein forms Q2060E.
Identifiers: ClinVar variation 1197072 (VCV001197072.2), dbSNP rs2143288193, ClinGen allele CA400500913.